The following is an entry in ClinVar:

NM_016284.5(CNOT1):c.6853A>G (p.Ser2285Gly)

Genes: CNOT1 (CCR4-NOT transcription complex subunit 1; minus strand), SETD6 (SET domain containing 6, protein lysine methyltransferase; plus strand). Cytogenetic location: 16q21.
Variant type: single nucleotide variant.
Coding change: c.6853A>G on transcript NM_016284.5 (MANE Select); coding-DNA position 6853, A replaced by G.
Protein change: p.Ser2285Gly; replaces serine 2285 with glycine.
Molecular consequence: missense variant. On other transcripts: non-coding transcript variant (1), 3 prime UTR variant (1).
Genome position (GRCh38, 1-based): chr16:58,523,434, T>C on the plus strand (A>G on the coding strand, the complement: CNOT1 is on the minus strand). VCF-style: chr16-58523434-T-C. GRCh37 (hg19) VCF-style: chr16-58557338-T-C.
Other names: c.6838A>G, p.Ser2280Gly (NM_001265612.2); c.*4405T>C (NM_001160305.4); short protein forms S2280G, S2285G.
Identifiers: ClinVar variation 1801072 (VCV001801072.1), dbSNP rs2543802948, ClinGen allele CA396160577.

ClinVar aggregate classification (germline): Uncertain significance (1 of 4 stars; one submission).

Allele frequency attached by ClinVar (database versions not stated): gnomAD exomes below 0.00001.
gnomAD v4.1: 2 of 1,614,082 alleles (0.00012%); highest among the groups gnomAD compares: Non-Finnish European, 0.00017%; no homozygotes.

Submission:

GeneDx
Classification: Uncertain significance. Last evaluated: 2022-05-20. Review status: criteria provided, single submitter. Criteria: GeneDx Variant Classification Process June 2021. Collection method: clinical testing. Allele origin: germline. Affected: yes.
Comment: Not observed at significant frequency in large population cohorts (gnomAD); In silico analysis supports that this missense variant has a deleterious effect on protein structure/function; Has not been previously published as pathogenic or benign to our knowledge